The following is an entry in ClinVar:

ClinVar aggregate classification (germline): Uncertain significance (1 of 4 stars; one submission).

Conditions:
Developmental and epileptic encephalopathy, 36 (DEE36). Also called: Congenital disorder of glycosylation, type Is; Epileptic encephalopathy, early infantile, 36; ALG13-CDG. Identifiers: Orphanet 324422, MedGen C4317295, MONDO:0010472, OMIM 300884.

Submission:

Labcorp Genetics (formerly Invitae), Labcorp
Classification: Uncertain significance for Developmental and epileptic encephalopathy, 36. Last evaluated: 2023-04-06. Review status: criteria provided, single submitter. Criteria: Invitae Variant Classification Sherloc (09022015). Collection method: clinical testing. Allele origin: germline.
Comment: This sequence change falls in intron 21 of the ALG13 gene. It does not directly change the encoded amino acid sequence of the ALG13 protein. In summary, the available evidence is currently insufficient to determine the role of this variant in disease. Therefore, it has been classified as a Variant of Uncertain Significance. Algorithms developed to predict the effect of sequence changes on RNA splicing suggest that this variant may disrupt the consensus splice site. This variant has not been reported in the literature in individuals affected with ALG13-related conditions. This variant is not present in population databases (gnomAD no frequency).

NM_001099922.3(ALG13):c.2458-12_2458-10del

Gene: ALG13 (ALG13 UDP-N-acetylglucosaminyltransferase subunit; plus strand). Cytogenetic location: Xq23.
Variant type: Deletion.
Coding change: c.2458-12_2458-10del on transcript NM_001099922.3 (MANE Select); 12 bases into the intron before coding-DNA position 2458 through 10 bases into the intron before coding-DNA position 2458, 3 bases deleted (TTT; older notation c.2458-12_2458-10delTTT).
Molecular consequence: intron variant.
Genome position (GRCh38, 1-based): chrX:111,735,039-111,735,041, TTT deleted; deleting any 3 consecutive bases within chrX:111,735,037-111,735,041 gives the same sequence; the c. name uses the placement nearest the transcript's 3' end. VCF-style (leftmost placement, unchanged base first): chrX-111735036-ATTT-A. GRCh37 (hg19) VCF-style: chrX-110978264-ATTT-A.
Other names: c.2458-12_2458-10del (NM_001324292.2); c.2146-12_2146-10del (NM_001257230.2, NM_001257237.2, NM_001257234.2); c.1972-12_1972-10del (NM_001324293.1); c.2224-12_2224-10del (NM_001257231.2).
Identifiers: ClinVar variation 2852513 (VCV002852513.3), dbSNP rs2526111160, ClinGen allele CA2739273738.